The following is an entry in ClinVar:

ClinVar aggregate classification (germline): Likely benign (1 of 4 stars; one submission).

Conditions:
Classic or attenuated familial adenomatous polyposis. Identifiers: MedGen CN372698, MONDO:0021057.

Submission:

All of Us Research Program, National Institutes of Health
Classification: Likely benign for Classic or attenuated familial adenomatous polyposis. Last evaluated: 2023-07-10. Review status: criteria provided, single submitter. Criteria: ACMG Guidelines, 2015. Collection method: clinical testing. Allele origin: germline. Inheritance: Autosomal dominant inheritance. Observed: 1 variant allele, 1 heterozygote.
Comment: This study involves interpretation of variants in research participants for the purpose of population health screening. Participant phenotype was not available at the time of variant classification. Additional details can be found in publication PMID: 35346344, PMCID: PMC8962531

NM_000038.6(APC):c.7818A>T (p.Val2606=)

Gene: APC (APC regulator of WNT signaling pathway; plus strand). Cytogenetic location: 5q22.2.
Variant type: single nucleotide variant.
Coding change: c.7818A>T on transcript NM_000038.6 (MANE Select); coding-DNA position 7818, A replaced by T.
Protein change: p.Val2606=; no amino-acid change (valine 2606 retained).
Molecular consequence: synonymous variant. On other transcripts: non-coding transcript variant (2).
Genome position (GRCh38, 1-based): chr5:112,843,412, A>T. VCF-style: chr5-112843412-A-T. GRCh37 (hg19) VCF-style: chr5-112179109-A-T.
Other names: c.7818A>T, p.Val2606= (NM_001127510.3, NM_001354895.2, NM_001407450.1); c.7764A>T, p.Val2588= (NM_001127511.3); c.7872A>T, p.Val2624= (NM_001354896.2, NM_001407447.1, NM_001407448.1 and 1 more transcripts); c.7848A>T, p.Val2616= (NM_001354897.2); c.7743A>T, p.Val2581= (NM_001354898.2); c.7734A>T, p.Val2578= (NM_001354899.2); c.7695A>T, p.Val2565= (NM_001354900.2); c.7641A>T, p.Val2547= (NM_001354901.2, NM_001407453.1); and 11 more.
Identifiers: ClinVar variation 3072418 (VCV003072418.1), dbSNP rs1221514715, ClinGen allele CA446211262.
Genomic context (GRCh38, chr5:112,843,412, plus strand): 5'-TGAGGATGAAAAACATGTGAACTCTATTTCAGGAACCAAACAAAGTAAAGAAAACCAAGT[A>T]TCCGCAAAAGGAACATGGAGAAAAATAAAAGAAAATGAATTTTCTCCCACAAATAGTACT-3'
Protein context (NP_000029.2, residues 2596-2616): SGTKQSKENQ[Val2606=]SAKGTWRKIK